The following is an entry in ClinVar:

ClinVar aggregate classification (germline): Pathogenic/Likely pathogenic. Review status: criteria provided, multiple submitters, no conflicts (2 of 4 stars). 4 submissions from 4 submitters: Pathogenic (1); Likely pathogenic (1). 2 of the submissions do not count toward it. Last evaluated 2024-09-11.

Conditions:
Cystine urolithiasis. Identifiers: MedGen C3671878.
SLC3A1-related disorder. Also called: SLC3A1-related condition.
Cystinuria (CSNU). Also called: CYSTINURIA, TYPE I; CYSTINURIA, TYPE II; CYSTINURIA, TYPE III; Cystinuria, non-type I. Identifiers: Orphanet 214, MedGen C0010691, MONDO:0009067, OMIM 220100, HP:0003131.

Allele frequency attached by ClinVar (database versions not stated): TOPMed 0.00002.
gnomAD v4.1: 46 of 1,613,578 alleles (0.0029%); highest among the groups gnomAD compares: Non-Finnish European, 0.0034%; no homozygotes.

Submissions (4):

Labcorp Genetics (formerly Invitae), Labcorp
Classification: Pathogenic for Cystinuria. Last evaluated: 2024-09-11. Review status: criteria provided, single submitter. Criteria: Invitae Variant Classification Sherloc (09022015). Collection method: clinical testing. Allele origin: germline.
Comment: This sequence change replaces serine, which is neutral and polar, with leucine, which is neutral and non-polar, at codon 547 of the SLC3A1 protein (p.Ser547Leu). This variant is present in population databases (rs368796166, gnomAD 0.007%). This missense change has been observed in individual(s) with cystinuria (PMID: 12820697, 16374432, 25109415, 32133030, 33349102; internal data). ClinVar contains an entry for this variant (Variation ID: 804198). Invitae Evidence Modeling of protein sequence and biophysical properties (such as structural, functional, and spatial information, amino acid conservation, physicochemical variation, residue mobility, and thermodynamic stability) has been performed for this missense variant. However, the output from this modeling did not meet the statistical confidence thresholds required to predict the impact of this variant on SLC3A1 protein function. For these reasons, this variant has been classified as Pathogenic.

Fulgent Genetics
Classification: Likely pathogenic for Cystinuria. Last evaluated: 2024-05-18. Review status: criteria provided, single submitter. Criteria: ACMG Guidelines, 2015. Collection method: clinical testing. Allele origin: germline.

PreventionGenetics, part of Exact Sciences
Classification: Likely pathogenic for SLC3A1-related condition. Last evaluated: 2024-09-13. Review status: no assertion criteria provided. Collection method: clinical testing. Allele origin: germline. Not counted in ClinVar's aggregate classification.
Comment: The SLC3A1 c.1640C>T variant is predicted to result in the amino acid substitution p.Ser547Leu. This variant has been reported in individuals with cystinuria, most of whom carried a second SLC3A1 variant (see, for example, Harnevik et al. 2003. PubMed ID: 12820697; Yuen et al. 2006. PubMed ID: 16374432; Li et al. 2020. PubMed ID: 32133030). This variant is reported in 0.0070% of alleles in individuals of European (non-Finnish) descent in gnomAD. Another missense variant affecting the same amino acid (p.Ser547Trp) has also been reported in individuals with cystinuria (Bisceglia et al. 2001. PubMed ID: 11260385; Botzenhart et al. 2002. PubMed ID: 12234283). This variant is interpreted as likely pathogenic for autosomal recessive SLC3A1-related disorders, but is uncertain if this variant in the heterozygous state alone would result in disease.

The Laboratory of Genetics and Metabolism, Hunan Children’s Hospital
Classification: Pathogenic for Cystine Urolithiasis. Review status: no assertion criteria provided. Collection method: research. Allele origin: paternal. Affected: yes. Not counted in ClinVar's aggregate classification.

Literature cited by the submitters: PubMed 12820697 (cited by Labcorp Genetics (formerly Invitae), Labcorp); PubMed 16374432 (cited by Labcorp Genetics (formerly Invitae), Labcorp); PubMed 25109415 (cited by Labcorp Genetics (formerly Invitae), Labcorp); PubMed 32133030 (cited by Labcorp Genetics (formerly Invitae), Labcorp); PubMed 33349102 (cited by Labcorp Genetics (formerly Invitae), Labcorp).

NM_000341.4(SLC3A1):c.1640C>T (p.Ser547Leu)

Genes: PREPL (prolyl endopeptidase like; minus strand), SLC3A1 (solute carrier family 3 member 1; plus strand). Cytogenetic location: 2p21.
Variant type: single nucleotide variant.
Coding change: c.1640C>T on transcript NM_000341.4 (MANE Select); coding-DNA position 1640, C replaced by T.
Protein change: p.Ser547Leu; replaces serine 547 with leucine.
Molecular consequence: missense variant. On other transcripts: 3 prime UTR variant (10).
Genome position (GRCh38, 1-based): chr2:44,320,221, C>T. VCF-style: chr2-44320221-C-T. GRCh37 (hg19) VCF-style: chr2-44547360-C-T.
Other names: c.1640C>T (NM_000341.3); c.*1135G>A (NM_001042385.2, NM_001042386.2, NM_001171603.1 and 7 more transcripts); short protein forms S547L.
Identifiers: ClinVar variation 804198 (VCV000804198.14), dbSNP rs368796166, ClinGen allele CA1640722.
Genomic context (GRCh38, chr2:44,320,221, plus strand): 5'-AATCAAACACTTACGTAAATACTTTTTTAAAAAAATAGGTCCAAAAGACTCAGCCCAGAT[C>T]GGCTTTGAAGTTATATCAAGATTTAAGTCTACTTCATGCCAATGAGCTACTCCTCAACAG-3'
Protein context (NP_000332.2, residues 537-557): NVDVQKTQPR[Ser547Leu]ALKLYQDLSL